The following is an entry in ClinVar:

NM_003052.5(SLC34A1):c.1559T>C (p.Leu520Pro)

Gene: SLC34A1 (solute carrier family 34 member 1; plus strand). Cytogenetic location: 5q35.3.
Variant type: single nucleotide variant.
Coding change: c.1559T>C on transcript NM_003052.5 (MANE Select); coding-DNA position 1559, T replaced by C.
Protein change: p.Leu520Pro; replaces leucine 520 with proline.
Molecular consequence: missense variant.
Genome position (GRCh38, 1-based): chr5:177,397,925, T>C. VCF-style: chr5-177397925-T-C. GRCh37 (hg19) VCF-style: chr5-176824926-T-C.
Other names: c.1559T>C (NM_003052.4); short protein forms L520P.
Identifiers: ClinVar variation 1384994 (VCV001384994.7), dbSNP rs201728701, ClinGen allele CA132830104.

ClinVar aggregate classification (germline): Uncertain significance. Review status: criteria provided, multiple submitters, no conflicts (2 of 4 stars). 4 submissions from 4 submitters: Uncertain significance (4). Last evaluated 2026-02-17.

Conditions:
Inborn genetic diseases. Identifiers: MedGen C0950123, MeSH D030342.
Hypercalcemia, infantile, 2 (HCINF2). Identifiers: Orphanet 300547, MedGen C4310473, MONDO:0014851, OMIM 616963.
Fanconi renotubular syndrome 2 (FRTS2). Identifiers: MedGen C3150652, MONDO:0013247, OMIM 613388.
Hypophosphatemic nephrolithiasis/osteoporosis 1. Identifiers: Orphanet 244305, MedGen C2676786, MONDO:0012850, OMIM 612286.
SLC34A1-related disorder. Also called: SLC34A1-related disorders; SLC34A1-related condition.

Allele frequency attached by ClinVar (database versions not stated): gnomAD exomes 0.00002; gnomAD 0.00011 and 0.00013; 1000 Genomes Project 0.00020; TOPMed 0.00029; 1000 Genomes Project 30x 0.00031.
gnomAD v4.1: 33 of 1,614,034 alleles (0.002%); highest among the groups gnomAD compares: Admixed American, 0.04%; no homozygotes.

Submissions (4):

PreventionGenetics, part of Exact Sciences
Classification: Uncertain significance for SLC34A1-related condition. Last evaluated: 2026-02-17. Review status: criteria provided, single submitter. Criteria: ACMG Guidelines, 2015. Collection method: clinical testing. Allele origin: germline.
Comment: The SLC34A1 c.1559T>C variant is predicted to result in the amino acid substitution p.Leu520Pro. To our knowledge, this variant has not been reported in the literature. This variant is reported in 0.0087% of alleles in individuals of Latino descent in gnomAD. At this time, the clinical significance of this variant is uncertain due to the absence of conclusive functional and genetic evidence.

Ambry Genetics
Classification: Uncertain significance for Inborn genetic diseases. Last evaluated: 2023-04-14. Review status: criteria provided, single submitter. Criteria: Ambry Variant Classification Scheme 2023. Collection method: clinical testing. Allele origin: germline.

Labcorp Genetics (formerly Invitae), Labcorp
Classification: Uncertain significance. Last evaluated: 2022-08-12. Review status: criteria provided, single submitter. Criteria: Invitae Variant Classification Sherloc (09022015). Collection method: clinical testing. Allele origin: germline.
Comment: This sequence change replaces leucine, which is neutral and non-polar, with proline, which is neutral and non-polar, at codon 520 of the SLC34A1 protein (p.Leu520Pro). This variant is present in population databases (rs201728701, gnomAD 0.007%). This variant has not been reported in the literature in individuals affected with SLC34A1-related conditions. ClinVar contains an entry for this variant (Variation ID: 1384994). Algorithms developed to predict the effect of missense changes on protein structure and function are either unavailable or do not agree on the potential impact of this missense change (SIFT: "Deleterious"; PolyPhen-2: "Possibly Damaging"; Align-GVGD: "Class C0"). In summary, the available evidence is currently insufficient to determine the role of this variant in disease. Therefore, it has been classified as a Variant of Uncertain Significance.

Fulgent Genetics
Classification: Uncertain significance for Hypophosphatemic nephrolithiasis/osteoporosis 1; Fanconi renotubular syndrome 2; Hypercalcemia, infantile, 2. Last evaluated: 2022-01-03. Review status: criteria provided, single submitter. Criteria: ACMG Guidelines, 2015. Collection method: clinical testing. Allele origin: unknown.